The following is an entry in ClinVar:

NM_001278293.3(ARL6):c.480-25A>G

Gene: ARL6 (ARF like GTPase 6; plus strand). Cytogenetic location: 3q11.2.
Variant type: single nucleotide variant.
Coding change: c.480-25A>G on transcript NM_001278293.3 (MANE Select); 25 bases into the intron before coding-DNA position 480, A replaced by G.
Molecular consequence: intron variant. On other transcripts: non-coding transcript variant (2).
Genome position (GRCh38, 1-based): chr3:97,791,746, A>G. VCF-style: chr3-97791746-A-G. GRCh37 (hg19) VCF-style: chr3-97510590-A-G.
Other names: c.480-25A>G (NM_032146.5, NM_177976.3, NM_001323513.2); c.479+3627A>G (NM_001323514.2).
Identifiers: ClinVar variation 3350728 (VCV003350728.1).

ClinVar aggregate classification (germline): Likely benign (0 of 4 stars; one submission).

Conditions:
ARL6-related disorder. Also called: ARL6-related condition.

Submission:

PreventionGenetics, part of Exact Sciences
Classification: Likely benign for ARL6-related condition. Last evaluated: 2021-10-27. Review status: no assertion criteria provided. Collection method: clinical testing. Allele origin: germline.
Comment: This variant is classified as likely benign based on ACMG/AMP sequence variant interpretation guidelines (Richards et al. 2015 PMID: 25741868, with internal and published modifications).